The following is an entry in ClinVar:

NM_020686.6(ABAT):c.55C>A (p.Arg19Ser)

Gene: ABAT (4-aminobutyrate aminotransferase; plus strand). Cytogenetic location: 16p13.2.
Variant type: single nucleotide variant.
Coding change: c.55C>A on transcript NM_020686.6 (MANE Select); coding-DNA position 55, C replaced by A.
Protein change: p.Arg19Ser; replaces arginine 19 with serine.
Molecular consequence: missense variant. On other transcripts: intron variant (3).
Genome position (GRCh38, 1-based): chr16:8,735,794, C>A. VCF-style: chr16-8735794-C-A. GRCh37 (hg19) VCF-style: chr16-8829651-C-A.
Other names: c.55C>A (NM_020686.5); c.55C>A, p.Arg19Ser (NM_000663.5, NM_001127448.2, NM_001386600.1 and 13 more transcripts); c.-65-10207C>A (NM_001386611.1, NM_001386612.1, NM_001386613.1); short protein forms R19S.
Identifiers: ClinVar variation 1451065 (VCV001451065.4), dbSNP rs77696190, ClinGen allele CA394691220.
Genomic context (GRCh38, chr16:8,735,794, plus strand): 5'-GGGGTCATGGCCTCCATGTTGCTCGCCCAGCGCCTGGCCTGCAGCTTCCAGCACAGCTAC[C>A]GCCTGCTGGTGCCTGGTAAGCCCCGGGGGTCTTGATAAGAACTGGTACTAATGGAAGATA-3'
Protein context (NP_065737.2, residues 9-29): RLACSFQHSY[Arg19Ser]LLVPGSRHIS

ClinVar aggregate classification (germline): Uncertain significance. Review status: criteria provided, multiple submitters, no conflicts (2 of 4 stars). 2 submissions from 2 submitters: Uncertain significance (2). Last evaluated 2022-10-18.

Conditions:
Inborn genetic diseases. Identifiers: MedGen C0950123, MeSH D030342.
Gamma-aminobutyric acid transaminase deficiency (GABATD). Also called: GABA aminotransaminase deficiency; GABA transaminase deficiency; Gamma aminobutyrate transaminase deficiency; 4 alpha aminobutyrate transaminase deficiency. Identifiers: Orphanet 2066, MedGen C0342708, MONDO:0013166, OMIM 613163.

gnomAD v4.1: 21 of 1,605,642 alleles (0.0013%); highest among the groups gnomAD compares: Non-Finnish European, 0.0017%; no homozygotes.

Submissions (2):

Labcorp Genetics (formerly Invitae), Labcorp
Classification: Uncertain significance for Gamma-aminobutyric acid transaminase deficiency. Last evaluated: 2022-10-18. Review status: criteria provided, single submitter. Criteria: Invitae Variant Classification Sherloc (09022015). Collection method: clinical testing. Allele origin: germline.
Comment: This sequence change replaces arginine, which is basic and polar, with serine, which is neutral and polar, at codon 19 of the ABAT protein (p.Arg19Ser). The frequency data for this variant in the population databases is considered unreliable, as metrics indicate poor data quality at this position in the gnomAD database. This variant has not been reported in the literature in individuals affected with ABAT-related conditions. ClinVar contains an entry for this variant (Variation ID: 1451065). Algorithms developed to predict the effect of missense changes on protein structure and function output the following: SIFT: "Tolerated"; PolyPhen-2: "Benign"; Align-GVGD: "Class C0". The serine amino acid residue is found in multiple mammalian species, which suggests that this missense change does not adversely affect protein function. In summary, the available evidence is currently insufficient to determine the role of this variant in disease. Therefore, it has been classified as a Variant of Uncertain Significance.

Ambry Genetics
Classification: Uncertain significance for Inborn genetic diseases. Last evaluated: 2021-12-02. Review status: criteria provided, single submitter. Criteria: Ambry Variant Classification Scheme 2023. Collection method: clinical testing. Allele origin: germline.